The following is an entry in ClinVar:

ClinVar aggregate classification (germline): Uncertain significance (1 of 4 stars; one submission).

Allele frequency attached by ClinVar (database versions not stated): TOPMed below 0.00001; gnomAD 0.00001.
gnomAD v4.1: 15 of 1,611,670 alleles (0.00093%); highest among the groups gnomAD compares: African/African-American, 0.0013%; no homozygotes.

Submission:

Labcorp Genetics (formerly Invitae), Labcorp
Classification: Uncertain significance. Last evaluated: 2024-02-24. Review status: criteria provided, single submitter. Criteria: Invitae Variant Classification Sherloc (09022015). Collection method: clinical testing. Allele origin: germline.
Comment: This sequence change falls in intron 62 of the LAMA1 gene. It does not directly change the encoded amino acid sequence of the LAMA1 protein. This variant is not present in population databases (gnomAD no frequency). This variant has not been reported in the literature in individuals affected with LAMA1-related conditions. ClinVar contains an entry for this variant (Variation ID: 2172153). Algorithms developed to predict the effect of sequence changes on RNA splicing suggest that this variant may create or strengthen a splice site. In summary, the available evidence is currently insufficient to determine the role of this variant in disease. Therefore, it has been classified as a Variant of Uncertain Significance.

NM_005559.4(LAMA1):c.9067+9G>A

Gene: LAMA1 (laminin subunit alpha 1; minus strand). Cytogenetic location: 18p11.31.
Variant type: single nucleotide variant.
Coding change: c.9067+9G>A on transcript NM_005559.4 (MANE Select); 9 bases into the intron after coding-DNA position 9067, G replaced by A.
Molecular consequence: intron variant.
Genome position (GRCh38, 1-based): chr18:6,943,171, C>T on the plus strand (G>A on the coding strand, the complement: LAMA1 is on the minus strand). VCF-style: chr18-6943171-C-T. GRCh37 (hg19) VCF-style: chr18-6943170-C-T.
Identifiers: ClinVar variation 2172153 (VCV002172153.4), dbSNP rs895950304, ClinGen allele CA295764405.
Genomic context (GRCh38, chr18:6,943,171, plus strand): 5'-CCACCTGAACCAAGACTTCCTCCAGGGACAGTGCCCCTTTTGAGTGGAAGAGCAGGTACC[C>T]GTACATACCAGGATAGCCACCAACATAAATGGGATTGTTGGTGTCCACTGAGGTAGACTG-3'